The following is an entry in ClinVar:

ClinVar aggregate classification (germline): Likely benign. Review status: criteria provided, multiple submitters, no conflicts (2 of 4 stars). 2 submissions from 2 submitters: Likely benign (2). Last evaluated 2026-07-02.

Conditions:
CREBBP-related disorder. Also called: CREBBP-related condition; CREBBP-related disorders.
Rubinstein-Taybi syndrome (RSTS). Identifiers: Orphanet 783, MedGen C0035934, MONDO:0019188.

gnomAD v4.1: 4 of 1,614,118 alleles (0.00025%); highest among the groups gnomAD compares: Admixed American, 0.0067%; no homozygotes.

Submissions (2):

PreventionGenetics, part of Exact Sciences
Classification: Likely benign for CREBBP-related condition. Last evaluated: 2026-07-02. Review status: criteria provided, single submitter. Criteria: ACMG Guidelines, 2015. Collection method: clinical testing. Allele origin: germline.
Comment: This variant is classified as likely benign based on ACMG/AMP sequence variant interpretation guidelines (Richards et al. 2015 PMID: 25741868, with internal and published modifications).

Labcorp Genetics (formerly Invitae), Labcorp
Classification: Likely benign for Rubinstein-Taybi syndrome. Last evaluated: 2025-09-08. Review status: criteria provided, single submitter. Criteria: Invitae Variant Classification Sherloc (09022015). Collection method: clinical testing. Allele origin: germline.

NM_004380.3(CREBBP):c.1338G>T (p.Leu446=)

Gene: CREBBP (CREB binding lysine acetyltransferase; minus strand). Cytogenetic location: 16p13.3.
Variant type: single nucleotide variant.
Coding change: c.1338G>T on transcript NM_004380.3 (MANE Select); coding-DNA position 1338, G replaced by T.
Protein change: p.Leu446=; no amino-acid change (leucine 446 retained).
Molecular consequence: synonymous variant.
Genome position (GRCh38, 1-based): chr16:3,782,919, C>A on the plus strand (G>T on the coding strand, the complement: CREBBP is on the minus strand). VCF-style: chr16-3782919-C-A. GRCh37 (hg19) VCF-style: chr16-3832920-C-A.
Other names: c.1224G>T, p.Leu408= (NM_001079846.1); c.1338G>T (NM_004380.2).
Identifiers: ClinVar variation 3623813 (VCV003623813.3).